The following is an entry in ClinVar:

NM_003560.4(PLA2G6):c.2356G>A (p.Glu786Lys)

Gene: PLA2G6 (phospholipase A2 group VI; minus strand). Cytogenetic location: 22q13.1.
Variant type: single nucleotide variant.
Coding change: c.2356G>A on transcript NM_003560.4 (MANE Select); coding-DNA position 2356, G replaced by A.
Protein change: p.Glu786Lys; replaces glutamic acid 786 with lysine.
Molecular consequence: missense variant.
Genome position (GRCh38, 1-based): chr22:38,112,226, C>T on the plus strand (G>A on the coding strand, the complement: PLA2G6 is on the minus strand). VCF-style: chr22-38112226-C-T. GRCh37 (hg19) VCF-style: chr22-38508233-C-T.
Other names: NM_001004426.3:c.2194G>A; c.2194G>A, p.Glu732Lys (NM_001004426.3, NM_001199562.3, NM_001349865.2 and 1 more transcripts); c.2356G>A, p.Glu786Lys (NM_001349864.2); c.1822G>A, p.Glu608Lys (NM_001349867.2); c.1678G>A, p.Glu560Lys (NM_001349868.2); c.1660G>A, p.Glu554Lys (NM_001349869.2); short protein forms E554K, E560K, E608K, E732K, E786K.
Identifiers: ClinVar variation 1012262 (VCV001012262.3), dbSNP rs778705470, ClinGen allele CA10230530.

ClinVar aggregate classification (germline): Uncertain significance (1 of 4 stars; one submission).

Conditions:
PLA2G6-associated neurodegeneration (PLAN). Also called: phospholipase A2-associated neurodegeneration. Identifiers: Orphanet 329303, MedGen CN204472, MONDO:0017998.

Allele frequency attached by ClinVar (database versions not stated): gnomAD exomes 0.00002 and 0.00001; ExAC 0.00004; TOPMed below 0.00001.
gnomAD v4.1: 15 of 1,612,230 alleles (0.00093%); highest among the groups gnomAD compares: Admixed American, 0.005%; no homozygotes.

Submission:

Broad Center for Mendelian Genomics, Broad Institute of MIT and Harvard
Classification: Uncertain significance for PLA2G6-associated neurodegeneration. Last evaluated: 2023-01-24. Review status: criteria provided, single submitter. Criteria: ACMG Guidelines, 2015. Collection method: curation. Allele origin: germline. Inheritance: Autosomal recessive inheritance.
Comment: The p.Glu786Lys variant in PLA2G6 has been reported in 2 individuals with PLA2G6-associated neurodegeneration (PMID: 34006472, 34087982), and has been identified in 0.009% (3/34196) of Latino/Admixed American chromosomes by the Genome Aggregation Database (gnomAD; dbSNP ID: rs778705470). Although this variant has been seen in the general population in a heterozygous state, its frequency is low enough to be consistent with a recessive carrier frequency. Of the 2 affected individuals, 1 was a homozygote, which increases the likelihood that the p.Glu786Lys variant is pathogenic (PMID: 34087982). Computational prediction tools and conservation analyses do not provide strong support for or against an impact to the protein. In summary, the clinical significance of the p.Glu786Lys variant is uncertain. ACMG/AMP Criteria applied: PM2_supporting, PM3_supporting (Richards 2015).